The following is an entry in ClinVar:

ClinVar aggregate classification (germline): Uncertain significance (1 of 4 stars; one submission).

Conditions:
Inborn genetic diseases. Identifiers: MedGen C0950123, MeSH D030342.

Submission:

Ambry Genetics
Classification: Uncertain significance for Inborn genetic diseases. Last evaluated: 2025-05-16. Review status: criteria provided, single submitter. Criteria: Ambry Variant Classification Scheme 2023. Collection method: clinical testing. Allele origin: germline.
Comment: The p.A46G variant (also known as c.137C>G), located in coding exon 1 of the WT1 gene, results from a C to G substitution at nucleotide position 137. The alanine at codon 46 is replaced by glycine, an amino acid with similar properties. This amino acid position is conserved. In addition, this alteration is predicted to be tolerated by in silico analysis. Based on the available evidence, the clinical significance of this variant remains unclear.

NM_024426.6(WT1):c.152C>G (p.Ala51Gly)

Genes: WT1 (WT1 transcription factor; minus strand), LOC107982234 (WT1/WT1-AS bi-directional promoter region; plus strand). Cytogenetic location: 11p13.
Variant type: single nucleotide variant.
Coding change: c.152C>G on transcript NM_024426.6 (MANE Select); coding-DNA position 152, C replaced by G.
Protein change: p.Ala51Gly; replaces alanine 51 with glycine.
Molecular consequence: missense variant. On other transcripts: 5 prime UTR variant (4), non-coding transcript variant (2).
Genome position (GRCh38, 1-based): chr11:32,435,209, G>C on the plus strand (C>G on the coding strand, the complement: WT1 is on the minus strand). VCF-style: chr11-32435209-G-C. GRCh37 (hg19) VCF-style: chr11-32456755-G-C.
Other names: c.152C>G, p.Ala51Gly (NM_000378.6, NM_001407044.1, NM_001407045.1 and 6 more transcripts); c.-68C>G (NM_001429031.1, NM_001429032.1, NM_001429033.1 and 1 more transcripts); short protein forms A51G, A46G.
Identifiers: ClinVar variation 3982470 (VCV003982470.1).